The following is an entry in ClinVar:

NM_033056.4(PCDH15):c.5206C>T (p.His1736Tyr)

Gene: PCDH15 (protocadherin related 15; minus strand). Cytogenetic location: 10q21.1.
Variant type: single nucleotide variant.
Coding change: c.5206C>T on transcript NM_033056.4 (MANE Plus Clinical); coding-DNA position 5206, C replaced by T.
Protein change: p.His1736Tyr; replaces histidine 1736 with tyrosine.
Molecular consequence: missense variant. On other transcripts: intron variant (8).
Genome position (GRCh38, 1-based): chr10:53,822,520, G>A on the plus strand (C>T on the coding strand, the complement: PCDH15 is on the minus strand). VCF-style: chr10-53822520-G-A. GRCh37 (hg19) VCF-style: chr10-55582280-G-A.
Other names: c.5227C>T, p.His1743Tyr (NM_001142763.2); c.5212C>T, p.His1738Tyr (NM_001142764.2); c.4999C>T, p.His1667Tyr (NM_001142765.2); c.5197C>T, p.His1733Tyr (NM_001142766.2); c.5086C>T, p.His1696Tyr (NM_001142767.2); c.5146C>T, p.His1716Tyr (NM_001142768.2); c.5137C>T, p.His1713Tyr (NM_001142773.2); c.5140C>T, p.His1714Tyr (NM_001354404.2); and 7 more; short protein forms H1696Y, H1716Y, H1736Y, H1733Y, H1667Y, H1713Y, H1714Y, H1738Y.
Identifiers: ClinVar variation 2119892 (VCV002119892.2), dbSNP rs558804750, ClinGen allele CA5505105.

ClinVar aggregate classification (germline): Uncertain significance. Review status: criteria provided, multiple submitters, no conflicts (2 of 4 stars). 2 submissions from 2 submitters: Uncertain significance (2). Last evaluated 2022-08-09.

Conditions:
Inborn genetic diseases. Identifiers: MedGen C0950123, MeSH D030342.

Allele frequency attached by ClinVar (database versions not stated): gnomAD 0.00004; ExAC 0.00001; TOPMed 0.00005; gnomAD exomes 0.00001.
gnomAD v4.1: 26 of 1,613,084 alleles (0.0016%); highest among the groups gnomAD compares: Non-Finnish European, 0.0021%; no homozygotes.

Submissions (2):

Labcorp Genetics (formerly Invitae), Labcorp
Classification: Uncertain significance. Last evaluated: 2022-08-09. Review status: criteria provided, single submitter. Criteria: Invitae Variant Classification Sherloc (09022015). Collection method: clinical testing. Allele origin: germline.
Comment: This sequence change replaces histidine, which is basic and polar, with tyrosine, which is neutral and polar, at codon 1736 of the PCDH15 protein (p.His1736Tyr). This variant is present in population databases (rs558804750, gnomAD 0.005%). This variant has not been reported in the literature in individuals affected with PCDH15-related conditions. Algorithms developed to predict the effect of missense changes on protein structure and function are either unavailable or do not agree on the potential impact of this missense change (SIFT: "Tolerated"; PolyPhen-2: "Probably Damaging"; Align-GVGD: "Class C0"). In summary, the available evidence is currently insufficient to determine the role of this variant in disease. Therefore, it has been classified as a Variant of Uncertain Significance.

Ambry Genetics
Classification: Uncertain significance for Inborn genetic diseases. Last evaluated: 2021-08-13. Review status: criteria provided, single submitter. Criteria: Ambry Variant Classification Scheme 2023. Collection method: clinical testing. Allele origin: germline.